The following is an entry in ClinVar:

NM_022124.6(CDH23):c.2626G>A (p.Val876Met)

Gene: CDH23 (cadherin related 23; plus strand). Cytogenetic location: 10q22.1.
Variant type: single nucleotide variant.
Coding change: c.2626G>A on transcript NM_022124.6 (MANE Select); coding-DNA position 2626, G replaced by A.
Protein change: p.Val876Met; replaces valine 876 with methionine.
Molecular consequence: missense variant.
Genome position (GRCh38, 1-based): chr10:71,702,587, G>A. VCF-style: chr10-71702587-G-A. GRCh37 (hg19) VCF-style: chr10-73462344-G-A.
Other names: c.2626G>A, p.Val876Met (NM_001171930.2, NM_001171931.2); short protein forms V876M.
Identifiers: ClinVar variation 5040551 (VCV005040551.1).
Genomic context (GRCh38, chr10:71,702,587, plus strand): 5'-CTTCTCGCCCTGGTCTTCCCAGGTGGCAGGCCCCCTCTGAAAGCCACCAGCAGTGCCACA[G>A]TGTTTGTGAACCTCTTGGATCTCAATGACAATGACCCCACCTTTCAGAACCTGCCTTTTG-3'
Protein context (NP_071407.4, residues 866-886): PPLKATSSAT[Val876Met]FVNLLDLNDN

ClinVar aggregate classification (germline): Uncertain significance (1 of 4 stars; one submission).

gnomAD v4.1: 1 of 1,614,016 alleles (0.000062%); no homozygotes.

Submission:

CeGaT Center for Human Genetics Tuebingen
Classification: Uncertain significance. Last evaluated: 2026-08-01. Review status: criteria provided, single submitter. Criteria: CeGaT Center For Human Genetics Tuebingen Variant Classification Criteria Version 2. Collection method: clinical testing. Allele origin: germline. Affected: yes. Observed: 1 variant allele.
Comment: CDH23: PM2